The following is an entry in ClinVar:

NM_007294.4(BRCA1):c.1133G>A (p.Ser378Asn)

Gene: BRCA1 (BRCA1 DNA repair associated; minus strand). Cytogenetic location: 17q21.31.
Variant type: single nucleotide variant.
Coding change: c.1133G>A on transcript NM_007294.4 (MANE Select); coding-DNA position 1133, G replaced by A.
Protein change: p.Ser378Asn; replaces serine 378 with asparagine.
Molecular consequence: missense variant. On other transcripts: intron variant (137).
Genome position (GRCh38, 1-based): chr17:43,094,398, C>T on the plus strand (G>A on the coding strand, the complement: BRCA1 is on the minus strand). VCF-style: chr17-43094398-C-T. GRCh37 (hg19) VCF-style: chr17-41246415-C-T.
Other names: c.1055G>A, p.Ser352Asn (NM_001407656.1, NM_001407657.1, NM_001407658.1 and 4 more transcripts); c.1052G>A, p.Ser351Asn (NM_001407659.1, NM_001407660.1, NM_001407661.1 and 1 more transcripts); c.1010G>A, p.Ser337Asn (NM_001407664.1, NM_001407665.1, NM_001407675.1 and 19 more transcripts); c.1130G>A, p.Ser377Asn (NM_001407634.1, NM_001407635.1, NM_001407636.1 and 22 more transcripts); c.1133G>A, p.Ser378Asn (NM_001407639.1, NM_001407640.1, NM_001407641.1 and 30 more transcripts); c.643+346G>A (NM_001408463.1, NM_001408462.1, NM_001408465.1 and 3 more transcripts); c.523+346G>A (NM_001408499.1, NM_001408498.1, NM_001408501.1 and 3 more transcripts); c.670+1448G>A (NM_001408422.1, NM_001408418.1, NM_001408419.1 and 2 more transcripts); and 40 more; short protein forms S210N, S250N, S251N, S266N, S267N, S289N, S290N, S307N.
Identifiers: ClinVar variation 4867690 (VCV004867690.1).
Genomic context (GRCh38, chr17:43,094,398, plus strand): 5'-GAGTCATCAGAACCTAACAGTTCATCACTTCTGGAAAACCACTCATTAACTTTCTGAATG[C>T]TGCTATTTAGTGTTATCCAAGGAACATCTTCAGTATCTCTAGGATTCTCTGAGCATGGCA-3'
Protein context (NP_009225.1, residues 368-388): EDVPWITLNS[Ser378Asn]IQKVNEWFSR

ClinVar aggregate classification (germline): Uncertain significance (1 of 4 stars; one submission).

Conditions:
Hereditary cancer-predisposing syndrome. Also called: Neoplastic Syndromes, Hereditary; Tumor predisposition; Hereditary Cancer Syndrome; Hereditary neoplastic syndrome. Identifiers: Orphanet 140162, MedGen C0027672, MeSH D009386, MONDO:0015356.

Submission:

Ambry Genetics
Classification: Uncertain significance for Hereditary cancer-predisposing syndrome. Last evaluated: 2026-04-29. Review status: criteria provided, single submitter. Criteria: Ambry Variant Classification Scheme 2023. Collection method: clinical testing. Allele origin: germline.
Comment: The p.S378N variant (also known as c.1133G>A), located in coding exon 9 of the BRCA1 gene, results from a G to A substitution at nucleotide position 1133. The serine at codon 378 is replaced by asparagine, an amino acid with highly similar properties. This amino acid position is highly conserved in available vertebrate species. In addition, the in silico prediction for this alteration is inconclusive. Based on the available evidence, the clinical significance of this variant remains unclear.